The following is an entry in ClinVar:

ClinVar aggregate classification (germline): Pathogenic (1 of 4 stars; one submission).

Conditions:
Bloom syndrome (BLM). Also called: Bloom-Torre-Machacek syndrome. Identifiers: Orphanet 125, MedGen C0005859, MONDO:0008876, OMIM 210900.

gnomAD v4.1: 1 of 1,611,066 alleles (0.000062%); highest among the groups gnomAD compares: African/African-American, 0.0013%; no homozygotes.

Submission:

Labcorp Genetics (formerly Invitae), Labcorp
Classification: Pathogenic for Bloom syndrome. Last evaluated: 2024-07-18. Review status: criteria provided, single submitter. Criteria: Invitae Variant Classification Sherloc (09022015). Collection method: clinical testing. Allele origin: germline.
Comment: This sequence change creates a premature translational stop signal (p.Gln1089*) in the BLM gene. It is expected to result in an absent or disrupted protein product. Loss-of-function variants in BLM are known to be pathogenic (PMID: 17407155). This variant is not present in population databases (gnomAD no frequency). This variant has not been reported in the literature in individuals affected with BLM-related conditions. For these reasons, this variant has been classified as Pathogenic.

Literature cited by the submitters: PubMed 17407155.

NM_000057.4(BLM):c.3265C>T (p.Gln1089Ter)

Gene: BLM (BLM RecQ like helicase; plus strand). Cytogenetic location: 15q26.1.
Variant type: single nucleotide variant.
Coding change: c.3265C>T on transcript NM_000057.4 (MANE Select); coding-DNA position 3265, C replaced by T.
Protein change: p.Gln1089Ter; replaces glutamine 1089 with a stop codon.
Molecular consequence: nonsense.
Genome position (GRCh38, 1-based): chr15:90,798,244, C>T. VCF-style: chr15-90798244-C-T. GRCh37 (hg19) VCF-style: chr15-91341474-C-T.
Other names: c.3265C>T, p.Gln1089Ter (NM_001287246.2, NM_001287247.2); c.2140C>T, p.Gln714Ter (NM_001287248.2); short protein forms Q1089*, Q714*.
Identifiers: ClinVar variation 3626065 (VCV003626065.2).